The following is an entry in ClinVar:

ClinVar aggregate classification (germline): Benign/Likely benign. Review status: criteria provided, multiple submitters, no conflicts (2 of 4 stars). 7 submissions from 7 submitters: Benign (5); Likely benign (2). Last evaluated 2026-02-02.

Conditions:
Nemaline myopathy 6 (NEM6). Also called: Nemaline myopathy 6, autosomal dominant. Identifiers: Orphanet 171439, MedGen C1836472, MONDO:0012237, OMIM 609273.

Allele frequency attached by ClinVar (database versions not stated): ExAC 0.00071; gnomAD exomes 0.00080 and 0.00121; ESP Exome Variant Server 0.00279; gnomAD 0.00682 and 0.00729; 1000 Genomes Project 0.00719; TOPMed 0.00743; 1000 Genomes Project 30x 0.01062.
gnomAD v4.1: 2,238 of 1,512,498 alleles (0.15%); highest among the groups gnomAD compares: African/African-American, 2.3%; 27 homozygotes.

Submissions (7):

Labcorp Genetics (formerly Invitae), Labcorp
Classification: Benign for Nemaline myopathy 6. Last evaluated: 2026-02-02. Review status: criteria provided, single submitter. Criteria: Invitae Variant Classification Sherloc (09022015). Collection method: clinical testing. Allele origin: germline.

Blueprint Genetics
Classification: Likely benign. Last evaluated: 2024-11-25. Review status: criteria provided, single submitter. Criteria: ACMG Guidelines, 2015. Collection method: clinical testing. Allele origin: germline.

Fulgent Genetics
Classification: Likely benign for Nemaline myopathy 6. Last evaluated: 2022-02-15. Review status: criteria provided, single submitter. Criteria: ACMG Guidelines, 2015. Collection method: clinical testing. Allele origin: unknown.

GeneDx
Classification: Benign. Last evaluated: 2018-04-09. Review status: criteria provided, single submitter. Criteria: GeneDx Variant Classification Process June 2021. Collection method: clinical testing. Allele origin: germline. Affected: yes.

Illumina Laboratory Services, Illumina
Classification: Benign for Nemaline myopathy 6. Last evaluated: 2018-01-12. Review status: criteria provided, single submitter. Criteria: ICSL Variant Classification Criteria 13 December 2019. Collection method: clinical testing. Allele origin: germline.
Comment: This variant was observed in the ICSL laboratory as part of a predisposition screen in an ostensibly healthy population. It had not been previously curated by ICSL or reported in the Human Gene Mutation Database (HGMD: prior to June 1st, 2018), and was therefore a candidate for classification through an automated scoring system. Utilizing variant allele frequency, disease prevalence and penetrance estimates, and inheritance mode, an automated score was calculated to assess if this variant is too frequent to cause the disease. Based on the score and internal cut-off values, a variant classified as benign is not then subjected to further curation. The score for this variant resulted in a classification of benign for this disease.

PreventionGenetics, part of Exact Sciences
Classification: Benign. Last evaluated: 2016-03-08. Review status: criteria provided, single submitter. Criteria: ACMG Guidelines, 2015. Collection method: clinical testing. Allele origin: germline.

Breakthrough Genomics
Classification: Benign. Review status: criteria provided, single submitter. Criteria: ACMG Guidelines, 2015. Collection method: not provided. Allele origin: germline. Inheritance: Autosomal dominant inheritance. Affected: yes.

NM_001101362.3(KBTBD13):c.246G>C (p.Val82=)

Gene: KBTBD13 (kelch repeat and BTB domain containing 13; plus strand). Cytogenetic location: 15q22.31.
Variant type: single nucleotide variant.
Coding change: c.246G>C on transcript NM_001101362.3 (MANE Select); coding-DNA position 246, G replaced by C.
Protein change: p.Val82=; no amino-acid change (valine 82 retained).
Molecular consequence: synonymous variant.
Genome position (GRCh38, 1-based): chr15:65,077,061, G>C. VCF-style: chr15-65077061-G-C. GRCh37 (hg19) VCF-style: chr15-65369399-G-C.
Identifiers: ClinVar variation 257455 (VCV000257455.20), dbSNP rs115182478, ClinGen allele CA7613911.